The following is an entry in ClinVar:

ClinVar aggregate classification (germline): Uncertain significance. Review status: criteria provided, multiple submitters, no conflicts (2 of 4 stars). 2 submissions from 2 submitters: Uncertain significance (2). Last evaluated 2025-12-18.

Conditions:
Hereditary cancer-predisposing syndrome. Also called: Hereditary Cancer Syndrome; Tumor predisposition; Neoplastic Syndromes, Hereditary; Hereditary neoplastic syndrome. Identifiers: Orphanet 140162, MedGen C0027672, MeSH D009386, MONDO:0015356.
Familial adenomatous polyposis 1 (FAP1). Also called: FAMILIAL ADENOMATOUS POLYPOSIS 1, ATTENUATED; POLYPOSIS, ADENOMATOUS INTESTINAL. Identifiers: MedGen C2713442, MONDO:0021056, OMIM 175100. Disease mechanism: loss of function.

gnomAD v4.1: 3 of 1,613,888 alleles (0.00019%); highest among the groups gnomAD compares: Non-Finnish European, 0.00025%; no homozygotes.

Submissions (2):

Ambry Genetics
Classification: Uncertain significance for Hereditary cancer-predisposing syndrome. Last evaluated: 2025-12-18. Review status: criteria provided, single submitter. Criteria: Ambry Variant Classification Scheme 2023. Collection method: clinical testing. Allele origin: germline.
Comment: The p.K1878N variant (also known as c.5634G>T), located in coding exon 15 of the APC gene, results from a G to T substitution at nucleotide position 5634. The lysine at codon 1878 is replaced by asparagine, an amino acid with similar properties. This amino acid position is well conserved in available vertebrate species. In addition, in silico predictors for this gene do not accurately predict pathogenicity. Since supporting evidence is limited at this time, the clinical significance of this alteration remains unclear.

Molecular Pathology, Peter Maccallum Cancer Centre
Classification: Uncertain significance for Familial adenomatous polyposis 1. Last evaluated: 2025-05-12. Review status: criteria provided, single submitter. Criteria: ACMG Guidelines, 2015. Collection method: clinical testing. Allele origin: germline. Inheritance: Autosomal dominant inheritance.

NM_000038.6(APC):c.5634G>T (p.Lys1878Asn)

Gene: APC (APC regulator of Wnt signaling pathway; plus strand). Cytogenetic location: 5q22.2.
Variant type: single nucleotide variant.
Coding change: c.5634G>T on transcript NM_000038.6 (MANE Select); coding-DNA position 5634, G replaced by T.
Protein change: p.Lys1878Asn; replaces lysine 1878 with asparagine.
Molecular consequence: missense variant.
Genome position (GRCh38, 1-based): chr5:112,841,228, G>T. VCF-style: chr5-112841228-G-T. GRCh37 (hg19) VCF-style: chr5-112176925-G-T.
Other names: c.5634G>T, p.Lys1878Asn (NM_001127510.3, NM_001354895.2); c.5580G>T, p.Lys1860Asn (NM_001127511.3); c.5688G>T, p.Lys1896Asn (NM_001354896.2); c.5664G>T, p.Lys1888Asn (NM_001354897.2); c.5559G>T, p.Lys1853Asn (NM_001354898.2); c.5550G>T, p.Lys1850Asn (NM_001354899.2); c.5511G>T, p.Lys1837Asn (NM_001354900.2); c.5457G>T, p.Lys1819Asn (NM_001354901.2); and 5 more; short protein forms K1718N, K1787N, K1819N, K1837N, K1850N, K1595N, K1752N, K1860N.
Identifiers: ClinVar variation 825858 (VCV000825858.7), dbSNP rs1580662013, ClinGen allele CA16033665.